The following is an entry in ClinVar:

ClinVar aggregate classification (germline): Uncertain significance. Review status: criteria provided, multiple submitters, no conflicts (2 of 4 stars). 2 submissions from 2 submitters: Uncertain significance (2). Last evaluated 2026-02-09.

Conditions:
Intellectual developmental disorder, X-linked, syndromic, Claes-Jensen type. Also called: Syndromic X-linked intellectual disability Claes-Jensen type; INTELLECTUAL DEVELOPMENTAL DISORDER, X-LINKED, SYNDROMIC 16; MENTAL RETARDATION, X-LINKED, SYNDROMIC 16. Identifiers: Orphanet 85279, MedGen C1845243, MONDO:0010355, OMIM 300534.

gnomAD v4.1: 1 of 1,211,867 alleles (0.000083%); highest among the groups gnomAD compares: Non-Finnish European, 0.00011%; no homozygotes.

Submissions (2):

GeneDx
Classification: Uncertain significance. Last evaluated: 2026-02-09. Review status: criteria provided, single submitter. Criteria: GeneDx Variant Classification Process June 2021. Collection method: clinical testing. Allele origin: germline.
Comment: Not observed at significant frequency in large population cohorts (gnomAD); In silico analysis supports that this missense variant has a deleterious effect on protein structure/function; Has not been previously published as pathogenic or benign to our knowledge

3billion
Classification: Uncertain significance for Intellectual developmental disorder, X-linked, syndromic, Claes-Jensen type. Last evaluated: 2025-02-21. Review status: criteria provided, single submitter. Criteria: ACMG Guidelines, 2015. Collection method: clinical testing. Allele origin: germline. Affected: yes.
Comment: The variant is observed at an extremely low frequency in the gnomAD v4.1.0 dataset (total allele frequency: <0.001%). Predicted Consequence/Location: Missense variant In silico tool predictions suggest damaging effect of the variant on gene or gene product [REVEL: 0.97 (>=0.6, sensitivity 0.68 and specificity 0.92); 3Cnet: 0.99 (>=0.6, sensitivity 0.72 and precision 0.9)]. Different missense changes at the same codon have been reported as of uncertain significance (ClinVar ID: VCV002499407). Therefore, this variant is classified as VUS according to the recommendation of ACMG/AMP guideline.

NM_004187.5(KDM5C):c.2119T>C (p.Cys707Arg)

Gene: KDM5C (lysine demethylase 5C; minus strand). Cytogenetic location: Xp11.22.
Variant type: single nucleotide variant.
Coding change: c.2119T>C on transcript NM_004187.5 (MANE Select); coding-DNA position 2119, T replaced by C.
Protein change: p.Cys707Arg; replaces cysteine 707 with arginine.
Molecular consequence: missense variant. On other transcripts: non-coding transcript variant (3).
Genome position (GRCh38, 1-based): chrX:53,199,101, A>G on the plus strand (T>C on the coding strand, the complement: KDM5C is on the minus strand). VCF-style: chrX-53199101-A-G. GRCh37 (hg19) VCF-style: chrX-53228283-A-G.
Other names: c.1918T>C, p.Cys640Arg (NM_001146702.2); c.2116T>C, p.Cys706Arg (NM_001282622.3, NM_001353979.2, NM_001353982.2); c.2119T>C, p.Cys707Arg (NM_001353978.3, NM_001353981.2, NM_001353984.2); c.2119T>C (NM_004187.2); short protein forms C640R, C706R, C707R.
Identifiers: ClinVar variation 4292862 (VCV004292862.2).
Genomic context (GRCh38, chrX:53,199,101, plus strand): 5'-CGTCTGGGCAGTCGTAGCAGGCCAGGGCTGACAGGAAACACGTAGTCTTGCACTTGATAC[A>G]CTGGCGCTCATCATCTGGGAGCAGCTCGAAAGCCTCTCGCTCAGCCTCTGTGATACCCTA-3'
Protein context (NP_004178.2, residues 697-717): FELLPDDERQ[Cys707Arg]IKCKTTCFLS